The following is an entry in ClinVar:

ClinVar aggregate classification (germline): Pathogenic (1 of 4 stars; one submission).

Conditions:
Muscular dystrophy-dystroglycanopathy (congenital with brain and eye anomalies), type a, 8 (MDDGA8). Also called: WALKER-WARBURG SYNDROME OR MUSCLE-EYE-BRAIN DISEASE, GTDC2-RELATED. Identifiers: Orphanet 899, MedGen C3553813, MONDO:0013904, OMIM 614830.

gnomAD v4.1: 3 of 1,614,058 alleles (0.00019%); highest among the groups gnomAD compares: Middle Eastern, 0.016%; no homozygotes.

Submission:

Labcorp Genetics (formerly Invitae), Labcorp
Classification: Pathogenic for Muscular dystrophy-dystroglycanopathy (congenital with brain and eye anomalies), type a, 8. Last evaluated: 2025-10-22. Review status: criteria provided, single submitter. Criteria: Invitae Variant Classification Sherloc (09022015). Collection method: clinical testing. Allele origin: germline.
Comment: This sequence change creates a premature translational stop signal (p.Trp83*) in the POMGNT2 gene. While this is not anticipated to result in nonsense mediated decay, it is expected to disrupt the last 498 amino acid(s) of the POMGNT2 protein. This variant is not present in population databases (gnomAD no frequency). This variant has not been reported in the literature in individuals affected with POMGNT2-related conditions. ClinVar contains an entry for this variant (Variation ID: 3620611). This variant disrupts a region of the POMGNT2 protein in which other variant(s) (p.Glu519*) have been determined to be pathogenic (internal data). This suggests that this is a clinically significant region of the protein, and that variants that disrupt it are likely to be disease-causing. For these reasons, this variant has been classified as Pathogenic.

NM_032806.6(POMGNT2):c.248G>A (p.Trp83Ter)

Gene: POMGNT2 (protein O-linked mannose N-acetylglucosaminyltransferase 2 (beta 1,4-); minus strand). Cytogenetic location: 3p22.1.
Variant type: single nucleotide variant.
Coding change: c.248G>A on transcript NM_032806.6 (MANE Select); coding-DNA position 248, G replaced by A.
Protein change: p.Trp83Ter; replaces tryptophan 83 with a stop codon.
Molecular consequence: nonsense.
Genome position (GRCh38, 1-based): chr3:43,081,184, C>T on the plus strand (G>A on the coding strand, the complement: POMGNT2 is on the minus strand). VCF-style: chr3-43081184-C-T. GRCh37 (hg19) VCF-style: chr3-43122676-C-T.
Other names: short protein forms W83*.
Identifiers: ClinVar variation 3620611 (VCV003620611.2).